The following is an entry in ClinVar:

NM_006206.6(PDGFRA):c.458C>G (p.Thr153Ser)

Gene: PDGFRA (platelet derived growth factor receptor alpha; plus strand). Cytogenetic location: 4q12.
Variant type: single nucleotide variant.
Coding change: c.458C>G on transcript NM_006206.6 (MANE Select); coding-DNA position 458, C replaced by G.
Protein change: p.Thr153Ser; replaces threonine 153 with serine.
Molecular consequence: missense variant.
Genome position (GRCh38, 1-based): chr4:54,263,757, C>G. VCF-style: chr4-54263757-C-G. GRCh37 (hg19) VCF-style: chr4-55129924-C-G.
Other names: c.458C>G, p.Thr153Ser (NM_001347827.2, NM_001347829.2); c.533C>G, p.Thr178Ser (NM_001347828.2); c.497C>G, p.Thr166Ser (NM_001347830.2); short protein forms T153S, T166S, T178S.
Identifiers: ClinVar variation 1411132 (VCV001411132.6), dbSNP rs1577709338, ClinGen allele CA356889867.

ClinVar aggregate classification (germline): Uncertain significance (1 of 4 stars; one submission).

Conditions:
Gastrointestinal stromal tumor. Also called: Gastrointestinal stroma tumor; Gastrointestinal stromal tumor, somatic. Identifiers: Orphanet 44890, MedGen C0238198, MeSH D046152, MONDO:0011719, OMIM 606764, HP:0100723.

Allele frequency attached by ClinVar (database versions not stated): gnomAD exomes below 0.00001.
gnomAD v4.1: 1 of 1,614,092 alleles (0.000062%); highest among the groups gnomAD compares: Non-Finnish European, 0.000085%; no homozygotes.

Submission:

Labcorp Genetics (formerly Invitae), Labcorp
Classification: Uncertain significance for Gastrointestinal stromal tumor. Last evaluated: 2022-01-28. Review status: criteria provided, single submitter. Criteria: Invitae Variant Classification Sherloc (09022015). Collection method: clinical testing. Allele origin: germline.
Comment: This variant has not been reported in the literature in individuals affected with PDGFRA-related conditions. In summary, the available evidence is currently insufficient to determine the role of this variant in disease. Therefore, it has been classified as a Variant of Uncertain Significance. Algorithms developed to predict the effect of missense changes on protein structure and function (SIFT, PolyPhen-2, Align-GVGD) all suggest that this variant is likely to be tolerated. This variant is not present in population databases (gnomAD no frequency). This sequence change replaces threonine, which is neutral and polar, with serine, which is neutral and polar, at codon 153 of the PDGFRA protein (p.Thr153Ser).